The following is an entry in ClinVar:

ClinVar aggregate classification (germline): Likely benign (1 of 4 stars; one submission).

Submission:

CeGaT Center for Human Genetics Tuebingen
Classification: Likely benign. Last evaluated: 2026-06-01. Review status: criteria provided, single submitter. Criteria: CeGaT Center For Human Genetics Tuebingen Variant Classification Criteria Version 2. Collection method: clinical testing. Allele origin: germline. Affected: yes. Observed: 1 variant allele.
Comment: ENTHD1: PM2:Supporting, BP4, BP7

NM_152512.4(ENTHD1):c.985T>C (p.Leu329=)

Gene: ENTHD1 (ENTH domain containing 1; minus strand). Cytogenetic location: 22q13.1.
Variant type: single nucleotide variant.
Coding change: c.985T>C on transcript NM_152512.4 (MANE Select); coding-DNA position 985, T replaced by C.
Protein change: p.Leu329=; no amino-acid change (leucine 329 retained).
Molecular consequence: synonymous variant.
Genome position (GRCh38, 1-based): chr22:39,765,457, A>G on the plus strand (T>C on the coding strand, the complement: ENTHD1 is on the minus strand). VCF-style: chr22-39765457-A-G. GRCh37 (hg19) VCF-style: chr22-40161462-A-G.
Identifiers: ClinVar variation 4875162 (VCV004875162.2).